The following is an entry in ClinVar:

ClinVar aggregate classification (germline): Uncertain significance. Review status: criteria provided, multiple submitters, no conflicts (2 of 4 stars). 2 submissions from 2 submitters: Uncertain significance (2). Last evaluated 2023-02-10.

Conditions:
Hereditary cancer-predisposing syndrome. Also called: Tumor predisposition; Hereditary Cancer Syndrome; Neoplastic Syndromes, Hereditary; Hereditary neoplastic syndrome. Identifiers: Orphanet 140162, MedGen C0027672, MeSH D009386, MONDO:0015356.
Hereditary nonpolyposis colorectal neoplasms. Identifiers: MedGen C0009405, MeSH D003123.

Allele frequency attached by ClinVar (database versions not stated): gnomAD exomes below 0.00001.
gnomAD v4.1: 2 of 1,613,368 alleles (0.00012%); highest among the groups gnomAD compares: South Asian, 0.0011%; no homozygotes.

Submissions (2):

Ambry Genetics
Classification: Uncertain significance for Hereditary cancer-predisposing syndrome. Last evaluated: 2023-02-10. Review status: criteria provided, single submitter. Criteria: Ambry Variant Classification Scheme 2023. Collection method: clinical testing. Allele origin: germline.
Comment: The p.S851R variant (also known as c.2553C>A), located in coding exon 4 of the MSH6 gene, results from a C to A substitution at nucleotide position 2553. The serine at codon 851 is replaced by arginine, an amino acid with dissimilar properties. This amino acid position is highly conserved in available vertebrate species. In addition, this alteration is predicted to be deleterious by in silico analysis. Since supporting evidence is limited at this time, the clinical significance of this alteration remains unclear.

Labcorp Genetics (formerly Invitae), Labcorp
Classification: Uncertain significance for Hereditary nonpolyposis colorectal neoplasms. Last evaluated: 2022-04-20. Review status: criteria provided, single submitter. Criteria: Invitae Variant Classification Sherloc (09022015). Collection method: clinical testing. Allele origin: germline.
Comment: In summary, the available evidence is currently insufficient to determine the role of this variant in disease. Therefore, it has been classified as a Variant of Uncertain Significance. Algorithms developed to predict the effect of missense changes on protein structure and function (SIFT, PolyPhen-2, Align-GVGD) all suggest that this variant is likely to be disruptive. This variant has not been reported in the literature in individuals affected with MSH6-related conditions. This variant is not present in population databases (gnomAD no frequency). This sequence change replaces serine, which is neutral and polar, with arginine, which is basic and polar, at codon 851 of the MSH6 protein (p.Ser851Arg).

NM_000179.3(MSH6):c.2553C>A (p.Ser851Arg)

Gene: MSH6 (mutS homolog 6; plus strand). Cytogenetic location: 2p16.3.
Variant type: single nucleotide variant.
Coding change: c.2553C>A on transcript NM_000179.3 (MANE Select); coding-DNA position 2553, C replaced by A.
Protein change: p.Ser851Arg; replaces serine 851 with arginine.
Molecular consequence: missense variant.
Genome position (GRCh38, 1-based): chr2:47,800,536, C>A. VCF-style: chr2-47800536-C-A. GRCh37 (hg19) VCF-style: chr2-48027675-C-A.
Other names: c.2163C>A, p.Ser721Arg (NM_001281492.2); c.1647C>A, p.Ser549Arg (NM_001281493.2, NM_001281494.2, NM_001406811.1 and 6 more transcripts); c.2649C>A, p.Ser883Arg (NM_001406795.1, NM_001406802.1); c.2553C>A, p.Ser851Arg (NM_001406796.1, NM_001406798.1, NM_001406800.1 and 2 more transcripts); c.2256C>A, p.Ser752Arg (NM_001406797.1, NM_001406801.1, NM_001406805.1 and 10 more transcripts); c.2028C>A, p.Ser676Arg (NM_001406799.1, NM_001406806.1, NM_001406807.1); c.2475C>A, p.Ser825Arg (NM_001406804.1); c.2559C>A, p.Ser853Arg (NM_001406813.1); and 1 more; short protein forms S549R, S851R, S721R, S752R, S795R, S883R, S676R, S825R.
Identifiers: ClinVar variation 1792972 (VCV001792972.8), dbSNP rs2530679392, ClinGen allele CA346754577.
Genomic context (GRCh38, chr2:47,800,536, plus strand): 5'-CCTGAAGAGTCAGAACCACCCAGACAGCAGGGCTATAATGTATGAAGAAACTACATACAG[C>A]AAGAAGAAGATTATTGATTTTCTTTCTGCTCTGGAAGGATTCAAAGTAATGTGTAAAATT-3'
Protein context (NP_000170.1, residues 841-861): RAIMYEETTY[Ser851Arg]KKKIIDFLSA